The following is an entry in ClinVar:

NM_052947.4(ALPK2):c.369G>T (p.Arg123Ser)

Gene: ALPK2 (alpha kinase 2; minus strand). Cytogenetic location: 18q21.31.
Variant type: single nucleotide variant.
Coding change: c.369G>T on transcript NM_052947.4 (MANE Select); coding-DNA position 369, G replaced by T.
Protein change: p.Arg123Ser; replaces arginine 123 with serine.
Molecular consequence: missense variant.
Genome position (GRCh38, 1-based): chr18:58,580,407, C>A on the plus strand (G>T on the coding strand, the complement: ALPK2 is on the minus strand). VCF-style: chr18-58580407-C-A. GRCh37 (hg19) VCF-style: chr18-56247639-C-A.
Other names: short protein forms R123S.
Identifiers: ClinVar variation 2626555 (VCV002626555.2), dbSNP rs774741451, ClinGen allele CA8977462.

ClinVar aggregate classification (germline): Uncertain significance (1 of 4 stars; one submission).

Allele frequency attached by ClinVar (database versions not stated): ExAC 0.00001; gnomAD exomes 0.00002.
gnomAD v4.1: 10 of 1,614,140 alleles (0.00062%); highest among the groups gnomAD compares: South Asian, 0.0099%; no homozygotes.

Submission:

Ambry Genetics
Classification: Uncertain significance. Last evaluated: 2023-09-07. Review status: criteria provided, single submitter. Criteria: Ambry Variant Classification Scheme 2023. Collection method: clinical testing. Allele origin: germline.
Comment: The p.R123S variant (also known as c.369G>T), located in coding exon 3 of the ALPK2 gene, results from a G to T substitution at nucleotide position 369. The arginine at codon 123 is replaced by serine, an amino acid with dissimilar properties. This amino acid position is conserved. In addition, this alteration is predicted to be tolerated by in silico analysis. Since supporting evidence is limited at this time, the clinical significance of this alteration remains unclear.